The following is an entry in ClinVar:

ClinVar aggregate classification (germline): Conflicting classifications of pathogenicity. Review status: criteria provided, conflicting classifications (1 of 4 stars). 8 submissions from 8 submitters: Uncertain significance (4); Benign (1); Likely benign (3). Last evaluated 2026-07-01.

Conditions:
Inborn genetic diseases. Identifiers: MedGen C0950123, MeSH D030342.
Cornelia de Lange syndrome 1 (CDLS1). Also called: NIPBL-Related Cornelia de Lange Syndrome; TYPUS DEGENERATIVUS AMSTELODAMENSIS; Brachmann de Lange syndrome. Identifiers: Orphanet 199, MedGen C4551851, MONDO:0007387, OMIM 122470.

Allele frequency attached by ClinVar (database versions not stated): TOPMed 0.00016; gnomAD 0.00017 and 0.00019; gnomAD exomes 0.00018 and 0.00026; ExAC 0.00025; ESP Exome Variant Server 0.00031.
gnomAD v4.1: 278 of 1,613,456 alleles (0.017%); highest among the groups gnomAD compares: Middle Eastern, 0.033%; no homozygotes.

Submissions (8):

CeGaT Center for Human Genetics Tuebingen
Classification: Likely benign. Last evaluated: 2026-07-01. Review status: criteria provided, single submitter. Criteria: CeGaT Center For Human Genetics Tuebingen Variant Classification Criteria Version 2. Collection method: clinical testing. Allele origin: germline. Affected: yes. Observed: 5 variant alleles.
Comment: NIPBL: BS1

Labcorp Genetics (formerly Invitae), Labcorp
Classification: Likely benign for Cornelia de Lange syndrome 1. Last evaluated: 2026-01-31. Review status: criteria provided, single submitter. Criteria: Invitae Variant Classification Sherloc (09022015). Collection method: clinical testing. Allele origin: germline.

Blueprint Genetics
Classification: Benign. Last evaluated: 2024-11-04. Review status: criteria provided, single submitter. Criteria: ACMG Guidelines, 2015. Collection method: clinical testing. Allele origin: germline.

Ambry Genetics
Classification: Likely benign for Inborn genetic diseases. Last evaluated: 2022-03-08. Review status: criteria provided, single submitter. Criteria: Ambry Variant Classification Scheme 2023. Collection method: clinical testing. Allele origin: germline.

Fulgent Genetics
Classification: Uncertain significance for Cornelia de Lange syndrome 1. Last evaluated: 2022-01-17. Review status: criteria provided, single submitter. Criteria: ACMG Guidelines, 2015. Collection method: clinical testing. Allele origin: unknown.

Genome-Nilou Lab
Classification: Uncertain significance for Cornelia de Lange syndrome 1. Last evaluated: 2021-07-15. Review status: criteria provided, single submitter. Criteria: ACMG Guidelines, 2015. Collection method: clinical testing. Allele origin: germline. Affected: no.

Eurofins Ntd Llc (ga)
Classification: Uncertain significance. Last evaluated: 2018-06-25. Review status: criteria provided, single submitter. Criteria: EGL ClinVar v180209 classification definitions. Collection method: clinical testing. Allele origin: germline. Observed: 1 variant allele, 1 heterozygote.

Genetic Services Laboratory, University of Chicago
Classification: Uncertain significance. Last evaluated: 2015-09-09. Review status: criteria provided, single submitter. Criteria: ACMG Guidelines, 2015. Collection method: clinical testing. Allele origin: germline. Affected: no.

Literature cited by the submitters: PubMed 23254390 (cited by Eurofins Ntd Llc (ga)).

NM_133433.4(NIPBL):c.2603G>A (p.Arg868Gln)

Gene: NIPBL (NIPBL cohesin loading factor; plus strand). Cytogenetic location: 5p13.2.
Variant type: single nucleotide variant.
Coding change: c.2603G>A on transcript NM_133433.4 (MANE Select); coding-DNA position 2603, G replaced by A.
Protein change: p.Arg868Gln; replaces arginine 868 with glutamine.
Molecular consequence: missense variant.
Genome position (GRCh38, 1-based): chr5:36,985,783, G>A. VCF-style: chr5-36985783-G-A. GRCh37 (hg19) VCF-style: chr5-36985885-G-A.
Other names: c.2603G>A, p.Arg868Gln (NM_015384.5); short protein forms R868Q.
Identifiers: ClinVar variation 436007 (VCV000436007.47), dbSNP rs149629686, ClinGen allele CA3236198.
Genomic context (GRCh38, chr5:36,985,783, plus strand): 5'-CCTCTAGTAGAAATGAACATGGCATTAAATCTGATAGTTCAAAAACTGATAAACTAGAAC[G>A]AAAACACAGGCATGAATCAGGGGACTCAAGGGAAAGACCATCTTCTGGGGAACAAAAATC-3'
Protein context (NP_597677.2, residues 858-878): SDSSKTDKLE[Arg868Gln]KHRHESGDSR